The following is an entry in ClinVar:

ClinVar aggregate classification (germline): Uncertain significance (1 of 4 stars; one submission).

Submission:

Labcorp Genetics (formerly Invitae), Labcorp
Classification: Uncertain significance. Last evaluated: 2023-11-16. Review status: criteria provided, single submitter. Criteria: Invitae Variant Classification Sherloc (09022015). Collection method: clinical testing. Allele origin: germline.
Comment: This sequence change replaces valine, which is neutral and non-polar, with leucine, which is neutral and non-polar, at codon 899 of the MKL1 protein (p.Val899Leu). This variant is not present in population databases (gnomAD no frequency). This variant has not been reported in the literature in individuals affected with MKL1-related conditions. An algorithm developed to predict the effect of missense changes on protein structure and function (PolyPhen-2) suggests that this variant is likely to be tolerated. In summary, the available evidence is currently insufficient to determine the role of this variant in disease. Therefore, it has been classified as a Variant of Uncertain Significance.

NM_020831.6(MRTFA):c.2995G>C (p.Val999Leu)

Gene: MRTFA (myocardin related transcription factor A; minus strand). Cytogenetic location: 22q13.1.
Variant type: single nucleotide variant.
Coding change: c.2995G>C on transcript NM_020831.6 (MANE Select); coding-DNA position 2995, G replaced by C.
Protein change: p.Val999Leu; replaces valine 999 with leucine.
Molecular consequence: missense variant. On other transcripts: 3 prime UTR variant (1).
Genome position (GRCh38, 1-based): chr22:40,411,491, C>G on the plus strand (G>C on the coding strand, the complement: MRTFA is on the minus strand). VCF-style: chr22-40411491-C-G. GRCh37 (hg19) VCF-style: chr22-40807495-C-G.
Other names: c.2695G>C, p.Val899Leu (NM_001282660.2); c.2845G>C, p.Val949Leu (NM_001282661.3); c.*308G>C (NM_001282662.3); c.2800G>C, p.Val934Leu (NM_001318139.2); short protein forms V999L, V899L, V934L, V949L.
Identifiers: ClinVar variation 2696346 (VCV002696346.3), dbSNP rs775773947, ClinGen allele CA411651284.